The following is an entry in ClinVar:

ClinVar aggregate classification (germline): Benign. Review status: criteria provided, multiple submitters, no conflicts (2 of 4 stars). 15 submissions from 15 submitters: Benign (12). 3 of the submissions do not count toward it. Last evaluated 2026-02-04.

Conditions:
Bardet-Biedl syndrome (BBS). Identifiers: Orphanet 110, MedGen C0752166, MONDO:0015229.
Bardet-Biedl syndrome 1 (BBS1). Identifiers: MedGen C2936862, MONDO:0008854, OMIM 209900. Disease mechanism: loss of function.
Retinal dystrophy. Also called: Inherited retinal dystrophy. Identifiers: Orphanet 71862, MedGen C0854723, MeSH D058499, MONDO:0019118, HP:0000556.

Allele frequency attached by ClinVar (database versions not stated): TOPMed 0.19117; ESP Exome Variant Server 0.19761; 1000 Genomes Project 30x 0.20924; gnomAD 0.21158 and 0.21250; 1000 Genomes Project 0.21166; ExAC 0.22328; gnomAD exomes 0.22413 and 0.23606.

Submissions (15):

Labcorp Genetics (formerly Invitae), Labcorp
Classification: Benign for Bardet-Biedl syndrome. Last evaluated: 2026-02-04. Review status: criteria provided, single submitter. Criteria: Invitae Variant Classification Sherloc (09022015). Collection method: clinical testing. Allele origin: germline.

Blueprint Genetics
Classification: Benign. Last evaluated: 2024-11-27. Review status: criteria provided, single submitter. Criteria: ACMG Guidelines, 2015. Collection method: clinical testing. Allele origin: germline.

Dept Of Ophthalmology, Nagoya University
Classification: Benign for Retinal dystrophy. Last evaluated: 2023-10-01. Review status: criteria provided, single submitter. Criteria: Submitter's publication. Collection method: research. Allele origin: germline. Affected: yes.

Mayo Clinic Laboratories, Mayo Clinic
Classification: Benign. Last evaluated: 2022-03-09. Review status: criteria provided, single submitter. Criteria: ACMG Guidelines, 2015. Collection method: clinical testing. Allele origin: germline. Observed: 27 variant alleles.

Genome-Nilou Lab
Classification: Benign for Bardet-Biedl syndrome 1. Last evaluated: 2021-07-10. Review status: criteria provided, single submitter. Criteria: ACMG Guidelines, 2015. Collection method: clinical testing. Allele origin: germline. Affected: no.

GeneDx
Classification: Benign. Last evaluated: 2018-11-10. Review status: criteria provided, single submitter. Criteria: GeneDx Variant Classification Process June 2021. Collection method: clinical testing. Allele origin: germline. Affected: yes.

Illumina Laboratory Services, Illumina
Classification: Benign for Bardet-Biedl syndrome 1. Last evaluated: 2018-01-12. Review status: criteria provided, single submitter. Criteria: ICSL Variant Classification Criteria 13 December 2019. Collection method: clinical testing. Allele origin: germline.
Comment: This variant was observed in the ICSL laboratory as part of a predisposition screen in an ostensibly healthy population. It had not been previously curated by ICSL or reported in the Human Gene Mutation Database (HGMD: prior to June 1st, 2018), and was therefore a candidate for classification through an automated scoring system. Utilizing variant allele frequency, disease prevalence and penetrance estimates, and inheritance mode, an automated score was calculated to assess if this variant is too frequent to cause the disease. Based on the score and internal cut-off values, a variant classified as benign is not then subjected to further curation. The score for this variant resulted in a classification of benign for this disease.

Athena Diagnostics
Classification: Benign for Bardet-Biedl syndrome 1. Last evaluated: 2017-06-02. Review status: criteria provided, single submitter. Criteria: Athena Diagnostics Criteria. Collection method: clinical testing. Allele origin: germline.

Women's Health and Genetics/Laboratory Corporation of America, LabCorp
Classification: Benign. Last evaluated: 2016-11-15. Review status: criteria provided, single submitter. Criteria: LabCorp Variant Classification Summary - May 2015. Collection method: clinical testing. Allele origin: germline.
Comment: Variant summary: The BBS1 c.378G>A (p.Leu126Leu) variant involves the alteration of a non-conserved nucleotide, resulting in a synonymous change. Mutation taster predicts a polymorphism outcome for this variant along with 5/5 splice prediction tools predicting the variant not to have an impact on normal splicing. This variant was found in 27024/121032 control chromosomes (3285 homozygotes) at a frequency of 0.2232798, which greatly exceeds the estimated maximal expected allele frequency of a pathogenic BBS1 variant (0.0009449), suggesting this variant is likely a benign polymorphism. A clinical diagnostic laboratory and at least one publication classified this variant as benign. Taken together, this variant is classified as benign.

Clinical Genetics DNA and cytogenetics Diagnostics Lab, Erasmus MC, Erasmus Medical Center
Classification: Benign for Bardet-Biedl syndrome 1. Last evaluated: 2015-09-21. Review status: criteria provided, single submitter. Criteria: ACGS Guidelines, 2013. Collection method: clinical testing. Allele origin: germline. Affected: yes. Study: VKGL Data-share Consensus.

Breakthrough Genomics
Classification: Benign. Review status: criteria provided, single submitter. Criteria: ACMG Guidelines, 2015. Collection method: not provided. Allele origin: germline. Inheritance: Autosomal recessive inheritance. Affected: yes.

PreventionGenetics, part of Exact Sciences
Classification: Benign. Review status: criteria provided, single submitter. Criteria: ACMG Guidelines, 2015. Collection method: clinical testing. Allele origin: germline.

Natera, Inc.
Classification: Benign for Bardet-Biedl syndrome type 1. Last evaluated: 2020-09-16. Review status: no assertion criteria provided. Collection method: clinical testing. Allele origin: germline. Not counted in ClinVar's aggregate classification.

Diagnostic Laboratory, Department of Genetics, University Medical Center Groningen
Classification: Benign for Bardet-Biedl syndrome 1. Review status: no assertion criteria provided. Collection method: clinical testing. Allele origin: germline. Affected: yes. Study: VKGL Data-share Consensus. Not counted in ClinVar's aggregate classification.

Joint Genome Diagnostic Labs from Nijmegen and Maastricht, Radboudumc and MUMC+
Classification: Benign. Review status: no assertion criteria provided. Collection method: clinical testing. Allele origin: germline. Affected: yes. Study: VKGL Data-share Consensus. Not counted in ClinVar's aggregate classification.

Literature cited by the submitters: PubMed 17003356 (cited by Women's Health and Genetics/Laboratory Corporation of America, LabCorp).

NM_024649.5(BBS1):c.378G>A (p.Leu126=)

Gene: BBS1 (Bardet-Biedl syndrome 1; plus strand). Cytogenetic location: 11q13.2.
Variant type: single nucleotide variant.
Coding change: c.378G>A on transcript NM_024649.5 (MANE Select); coding-DNA position 378, G replaced by A.
Protein change: p.Leu126=; no amino-acid change (leucine 126 retained).
Molecular consequence: synonymous variant.
Genome position (GRCh38, 1-based): chr11:66,514,624, G>A. VCF-style: chr11-66514624-G-A. GRCh37 (hg19) VCF-style: chr11-66282095-G-A.
Other names: p.Leu126=.
Identifiers: ClinVar variation 261750 (VCV000261750.28), dbSNP rs2298806, ClinGen allele CA6123317.
Genomic context (GRCh38, chr11:66,514,624, plus strand): 5'-TGCTTCAGGCCCTTGTGTCTATGTGTATAAGAATCTCAGACCCTACTTCAAGTTCAGCCT[G>A]CCCCAATTGCCTCCAAATCCTCTGGAACAAGACCTTTGGAACCAGGCCAAAGAGGTAAAT-3'
Protein context (NP_078925.3, residues 116-136): KNLRPYFKFS[Leu126=]PQLPPNPLEQ